The following is an entry in ClinVar:

NM_004990.4(MARS1):c.986C>A (p.Pro329His)

Gene: MARS1 (methionyl-tRNA synthetase 1; plus strand). Cytogenetic location: 12q13.3.
Variant type: single nucleotide variant.
Coding change: c.986C>A on transcript NM_004990.4 (MANE Select); coding-DNA position 986, C replaced by A.
Protein change: p.Pro329His; replaces proline 329 with histidine.
Molecular consequence: missense variant.
Genome position (GRCh38, 1-based): chr12:57,498,518, C>A. VCF-style: chr12-57498518-C-A. GRCh37 (hg19) VCF-style: chr12-57892301-C-A.
Other names: short protein forms P329H.
Identifiers: ClinVar variation 859475 (VCV000859475.10), dbSNP rs145260922, ClinGen allele CA6650376.
Genomic context (GRCh38, chr12:57,498,518, plus strand): 5'-GTGGGACAGATGAGTATGGTACAGCAACAGAGACCAAGGCTCTGGAGGAGGGACTAACCC[C>A]CCAGGAGATCTGCGACAAGTACCACATCATCCATGCTGACATCTACCGCTGGTTTAACAT-3'
Protein context (NP_004981.2, residues 319-339): ETKALEEGLT[Pro329His]QEICDKYHII

ClinVar aggregate classification (germline): Conflicting classifications of pathogenicity. Review status: criteria provided, conflicting classifications (1 of 4 stars). 2 submissions from 2 submitters: Uncertain significance (1); Likely benign (1). Last evaluated 2025-09-10.

Conditions:
Charcot-Marie-Tooth disease axonal type 2U. Also called: CHARCOT-MARIE-TOOTH NEUROPATHY, TYPE 2U; CHARCOT-MARIE-TOOTH DISEASE, AXONAL, AUTOSOMAL DOMINANT, TYPE 2U. Identifiers: Orphanet 397735, MedGen C4084821, MONDO:0014566, OMIM 616280.
Severe early-onset pulmonary alveolar proteinosis due to MARS deficiency. Also called: PULMONARY ALVEOLAR PROTEINOSIS, REUNION ISLAND; Interstitial lung and liver disease. Identifiers: Orphanet 440427, MedGen C4225400, MONDO:0014206, OMIM 615486.

Allele frequency attached by ClinVar (database versions not stated): gnomAD exomes 0.00009; ExAC 0.00010; 1000 Genomes Project 30x 0.00031; gnomAD 0.00035 and 0.00040; TOPMed 0.00030; ESP Exome Variant Server 0.00031; 1000 Genomes Project 0.00020.
gnomAD v4.1: 114 of 1,614,170 alleles (0.0071%); highest among the groups gnomAD compares: African/African-American, 0.14%; no homozygotes.

Submissions (2):

Labcorp Genetics (formerly Invitae), Labcorp
Classification: Uncertain significance for Charcot-Marie-Tooth disease axonal type 2U; Severe early-onset pulmonary alveolar proteinosis due to MARS deficiency. Last evaluated: 2025-09-10. Review status: criteria provided, single submitter. Criteria: Invitae Variant Classification Sherloc (09022015). Collection method: clinical testing. Allele origin: germline.
Comment: This sequence change replaces proline, which is neutral and non-polar, with histidine, which is basic and polar, at codon 329 of the MARS protein (p.Pro329His). This variant is present in population databases (rs145260922, gnomAD 0.1%). This variant has not been reported in the literature in individuals affected with MARS-related conditions. ClinVar contains an entry for this variant (Variation ID: 859475). An algorithm developed to predict the effect of missense changes on protein structure and function (PolyPhen-2) suggests that this variant is likely to be disruptive. In summary, the available evidence is currently insufficient to determine the role of this variant in disease. Therefore, it has been classified as a Variant of Uncertain Significance.

Ambry Genetics
Classification: Likely benign. Last evaluated: 2020-07-31. Review status: criteria provided, single submitter. Criteria: Ambry Variant Classification Scheme 2023. Collection method: clinical testing. Allele origin: germline.